The following is an entry in ClinVar:

NM_198253.3(TERT):c.2713G>A (p.Val905Met)

Gene: TERT (telomerase reverse transcriptase; minus strand). Cytogenetic location: 5p15.33.
Variant type: single nucleotide variant.
Coding change: c.2713G>A on transcript NM_198253.3 (MANE Select); coding-DNA position 2713, G replaced by A.
Protein change: p.Val905Met; replaces valine 905 with methionine.
Molecular consequence: missense variant. On other transcripts: intron variant (1).
Genome position (GRCh38, 1-based): chr5:1,264,534, C>T on the plus strand (G>A on the coding strand, the complement: TERT is on the minus strand). VCF-style: chr5-1264534-C-T. GRCh37 (hg19) VCF-style: chr5-1264649-C-T.
Other names: c.2654+1930G>A (NM_001193376.3); short protein forms V905M.
Identifiers: ClinVar variation 4783695 (VCV004783695.1).

ClinVar aggregate classification (germline): Uncertain significance (1 of 4 stars; one submission).

Conditions:
Dyskeratosis congenita, autosomal dominant 2. Identifiers: MedGen C3151443, MONDO:0013521, OMIM 613989.
Idiopathic Pulmonary Fibrosis. Also called: Idiopathic fibrosing alveolitis, chronic form; idiopathic fibrosing alveolitis. Identifiers: Orphanet 2032, MedGen C1800706, MeSH D054990, MONDO:0800504.

Submission:

Labcorp Genetics (formerly Invitae), Labcorp
Classification: Uncertain significance for Dyskeratosis congenita, autosomal dominant 2; Idiopathic Pulmonary Fibrosis. Last evaluated: 2025-03-09. Review status: criteria provided, single submitter. Criteria: Invitae Variant Classification Sherloc (09022015). Collection method: clinical testing. Allele origin: germline.
Comment: This sequence change replaces valine, which is neutral and non-polar, with methionine, which is neutral and non-polar, at codon 905 of the TERT protein (p.Val905Met). This variant is not present in population databases (gnomAD no frequency). This variant has not been reported in the literature in individuals affected with TERT-related conditions. Invitae Evidence Modeling of protein sequence and biophysical properties (such as structural, functional, and spatial information, amino acid conservation, physicochemical variation, residue mobility, and thermodynamic stability) indicates that this missense variant is expected to disrupt TERT protein function with a positive predictive value of 95%. In summary, the available evidence is currently insufficient to determine the role of this variant in disease. Therefore, it has been classified as a Variant of Uncertain Significance.